The following is an entry in ClinVar:

NM_013275.6(ANKRD11):c.4413C>G (p.Asp1471Glu)

Gene: ANKRD11 (ankyrin repeat domain 11; minus strand). Cytogenetic location: 16q24.3.
Variant type: single nucleotide variant.
Coding change: c.4413C>G on transcript NM_013275.6 (MANE Select); coding-DNA position 4413, C replaced by G.
Protein change: p.Asp1471Glu; replaces aspartic acid 1471 with glutamic acid.
Molecular consequence: missense variant.
Genome position (GRCh38, 1-based): chr16:89,282,129, G>C on the plus strand (C>G on the coding strand, the complement: ANKRD11 is on the minus strand). VCF-style: chr16-89282129-G-C. GRCh37 (hg19) VCF-style: chr16-89348537-G-C.
Other names: c.4413C>G, p.Asp1471Glu (NM_001256182.2, NM_001256183.2); short protein forms D1471E.
Identifiers: ClinVar variation 2596029 (VCV002596029.4), dbSNP rs557025834, ClinGen allele CA286515892.

ClinVar aggregate classification (germline): Conflicting classifications of pathogenicity. Review status: criteria provided, conflicting classifications (1 of 4 stars). 2 submissions from 2 submitters: Uncertain significance (1); Likely benign (1). Last evaluated 2023-08-09.

Conditions:
Inborn genetic diseases. Identifiers: MedGen C0950123, MeSH D030342.
KBG syndrome (KBGS). Also called: ANKRD11-Related KBG Syndrome. Identifiers: Orphanet 2332, MedGen C0220687, MONDO:0007846, OMIM 148050.

Submissions (2):

Labcorp Genetics (formerly Invitae), Labcorp
Classification: Uncertain significance for KBG syndrome. Last evaluated: 2023-08-09. Review status: criteria provided, single submitter. Criteria: Invitae Variant Classification Sherloc (09022015). Collection method: clinical testing. Allele origin: germline.
Comment: This variant has not been reported in the literature in individuals affected with ANKRD11-related conditions. This variant is present in population databases (no rsID available, gnomAD 0.01%). This sequence change replaces aspartic acid, which is acidic and polar, with glutamic acid, which is acidic and polar, at codon 1471 of the ANKRD11 protein (p.Asp1471Glu). Advanced modeling of protein sequence and biophysical properties (such as structural, functional, and spatial information, amino acid conservation, physicochemical variation, residue mobility, and thermodynamic stability) performed at Invitae indicates that this missense variant is not expected to disrupt ANKRD11 protein function. In summary, the available evidence is currently insufficient to determine the role of this variant in disease. Therefore, it has been classified as a Variant of Uncertain Significance.

Ambry Genetics
Classification: Likely benign for Inborn genetic diseases. Last evaluated: 2023-07-05. Review status: criteria provided, single submitter. Criteria: Ambry Variant Classification Scheme 2023. Collection method: clinical testing. Allele origin: germline.